The following is an entry in ClinVar:

ClinVar aggregate classification (germline): Likely benign (1 of 4 stars; one submission).

Allele frequency attached by ClinVar (database versions not stated): gnomAD 0.03365 and 0.03444.
gnomAD v4.1: 4,357 of 129,400 alleles (3.4%); highest among the groups gnomAD compares: Non-Finnish European, 4%; 414 homozygotes.

Submission:

GeneDx
Classification: Likely benign. Last evaluated: 2018-06-19. Review status: criteria provided, single submitter. Criteria: GeneDx Variant Classification (06012015). Collection method: clinical testing. Allele origin: germline. Affected: yes.
Comment: This variant is considered likely benign or benign based on one or more of the following criteria: it is a conservative change, it occurs at a poorly conserved position in the protein, it is predicted to be benign by multiple in silico algorithms, and/or has population frequency not consistent with disease.

NM_001244008.2(KIF1A):c.430-300G>T

Gene: KIF1A (kinesin family member 1A; minus strand). Cytogenetic location: 2q37.3.
Variant type: single nucleotide variant.
Coding change: c.430-300G>T on transcript NM_001244008.2 (MANE Select); 300 bases into the intron before coding-DNA position 430, G replaced by T.
Molecular consequence: intron variant.
Genome position (GRCh38, 1-based): chr2:240,786,813, C>A on the plus strand (G>T on the coding strand, the complement: KIF1A is on the minus strand). VCF-style: chr2-240786813-C-A. GRCh37 (hg19) VCF-style: chr2-241726230-C-A.
Other names: c.430-300G>T (NM_001379653.1, NM_001379650.1, NM_001379645.1 and 20 more transcripts).
Identifiers: ClinVar variation 674082 (VCV000674082.1), dbSNP rs114907160, ClinGen allele CA68141581.